The following is an entry in ClinVar:

NM_000059.4(BRCA2):c.7441A>T (p.Ile2481Phe)

Gene: BRCA2 (BRCA2 DNA repair associated; plus strand). Cytogenetic location: 13q13.1.
Variant type: single nucleotide variant.
Coding change: c.7441A>T on transcript NM_000059.4 (MANE Select); coding-DNA position 7441, A replaced by T.
Protein change: p.Ile2481Phe; replaces isoleucine 2481 with phenylalanine.
Molecular consequence: missense variant. On other transcripts: non-coding transcript variant (1).
Genome position (GRCh38, 1-based): chr13:32,356,433, A>T. VCF-style: chr13-32356433-A-T. GRCh37 (hg19) VCF-style: chr13-32930570-A-T.
Other names: c.7345A>T, p.Ile2449Phe (NM_001406719.1); c.7441A>T, p.Ile2481Phe (NM_001406720.1, NM_001432077.1); c.2509A>T, p.Ile837Phe (NM_001406721.1); c.1024A>T, p.Ile342Phe (NM_001406722.1); short protein forms I2449F, I2481F, I342F, I837F.
Identifiers: ClinVar variation 4856503 (VCV004856503.1).

ClinVar aggregate classification (germline): Likely benign (1 of 4 stars; one submission).

Conditions:
Breast-ovarian cancer, familial, susceptibility to, 2 (BROVCA2). Also called: BRCA2 Hereditary Breast and Ovarian Cancer. Identifiers: Orphanet 145, MedGen C2675520, MONDO:0012933, OMIM 612555. Disease mechanism: loss of function.

gnomAD v4.1: 1 of 1,613,176 alleles (0.000062%); highest among the groups gnomAD compares: Non-Finnish European, 0.000085%; no homozygotes.

Submission:

Cancer Bioinformatics and Tumour Evolution Laboratory, Monash University
Classification: Likely benign for Breast-ovarian cancer, familial, susceptibility to, 2. Last evaluated: 2026-05-01. Review status: criteria provided, single submitter. Criteria: ClinGen BRCA1 and BRCA2 Guidelines, 2024. Collection method: curation. Allele origin: germline. Inheritance: Autosomal dominant inheritance.
Comment: The variant is in a functional domain (DNA Binding Domain). The BayesDel score is -0.130179, which means no deleterious impact is predicted. Hence, BP4 is applied. PMID: 39779857 - SGE followed by HDR assay on haploid human HAP1 cells. This variant (c.7441A>T; p.Ile2481Phe) was found to be benign along with all other missenses at this position.

Literature cited by the submitters: PubMed 39779857.